The following is an entry in ClinVar:

NM_006904.7(PRKDC):c.2665G>A (p.Glu889Lys)

Gene: PRKDC (protein kinase, DNA-activated, catalytic subunit; minus strand). Cytogenetic location: 8q11.21.
Variant type: single nucleotide variant.
Coding change: c.2665G>A on transcript NM_006904.7 (MANE Select); coding-DNA position 2665, G replaced by A.
Protein change: p.Glu889Lys; replaces glutamic acid 889 with lysine.
Molecular consequence: missense variant.
Genome position (GRCh38, 1-based): chr8:47,914,017, C>T on the plus strand (G>A on the coding strand, the complement: PRKDC is on the minus strand). VCF-style: chr8-47914017-C-T. GRCh37 (hg19) VCF-style: chr8-48826577-C-T.
Other names: c.2665G>A, p.Glu889Lys (NM_001081640.2); short protein forms E889K.
Identifiers: ClinVar variation 1794491 (VCV001794491.2), dbSNP rs1378956780, ClinGen allele CA371159445.

ClinVar aggregate classification (germline): Uncertain significance (1 of 4 stars; one submission).

Allele frequency attached by ClinVar (database versions not stated): TOPMed below 0.00001; gnomAD 0.00001.
gnomAD v4.1: 7 of 1,599,242 alleles (0.00044%); highest among the groups gnomAD compares: Non-Finnish European, 0.0006%; no homozygotes.

Submission:

Ambry Genetics
Classification: Uncertain significance. Last evaluated: 2021-12-14. Review status: criteria provided, single submitter. Criteria: Ambry Variant Classification Scheme 2023. Collection method: clinical testing. Allele origin: germline.
Comment: The p.E889K variant (also known as c.2665G>A), located in coding exon 24 of the PRKDC gene, results from a G to A substitution at nucleotide position 2665. The glutamic acid at codon 889 is replaced by lysine, an amino acid with similar properties. This amino acid position is conserved. In addition, this alteration is predicted to be tolerated by in silico analysis. Since supporting evidence is limited at this time, the clinical significance of this alteration remains unclear.